The following is an entry in ClinVar:

ClinVar aggregate classification (germline): Uncertain significance (1 of 4 stars; one submission).

Submission:

Labcorp Genetics (formerly Invitae), Labcorp
Classification: Uncertain significance. Last evaluated: 2025-08-22. Review status: criteria provided, single submitter. Criteria: Invitae Variant Classification Sherloc (09022015). Collection method: clinical testing. Allele origin: germline.
Comment: This sequence change falls in intron 1 of the COL11A2 gene. It does not directly change the encoded amino acid sequence of the COL11A2 protein. It affects a nucleotide within the consensus splice site. This variant is not present in population databases (gnomAD no frequency). This variant has not been reported in the literature in individuals affected with COL11A2-related conditions. ClinVar contains an entry for this variant (Variation ID: 3660836). Variants that disrupt the consensus splice site are a relatively common cause of aberrant splicing (PMID: 17576681, 9536098). Algorithms developed to predict the effect of sequence changes on RNA splicing suggest that this variant is not likely to affect RNA splicing. In summary, the available evidence is currently insufficient to determine the role of this variant in disease. Therefore, it has been classified as a Variant of Uncertain Significance.

Literature cited by the submitters: PubMed 17576681; PubMed 9536098.

NM_080680.3(COL11A2):c.83-3C>T

Gene: COL11A2 (collagen type XI alpha 2 chain; minus strand). Cytogenetic location: 6p21.32.
Variant type: single nucleotide variant.
Coding change: c.83-3C>T on transcript NM_080680.3 (MANE Select); 3 bases into the intron before coding-DNA position 83, C replaced by T.
Molecular consequence: intron variant.
Genome position (GRCh38, 1-based): chr6:33,189,472, G>A on the plus strand (C>T on the coding strand, the complement: COL11A2 is on the minus strand). VCF-style: chr6-33189472-G-A. GRCh37 (hg19) VCF-style: chr6-33157249-G-A.
Other names: c.-764-3C>T (NM_001424111.1, NM_001424110.1, NM_001424109.1); c.83-3C>T (NM_080679.3, NM_080681.3, NM_001424108.1 and 1 more transcripts).
Identifiers: ClinVar variation 3660836 (VCV003660836.2).